The following is an entry in ClinVar:

NM_001127222.2(CACNA1A):c.1541T>C (p.Leu514Pro)

Gene: CACNA1A (calcium voltage-gated channel subunit alpha1 A; minus strand). Cytogenetic location: 19p13.13.
Variant type: single nucleotide variant.
Coding change: c.1541T>C on transcript NM_001127222.2 (MANE Select); coding-DNA position 1541, T replaced by C.
Protein change: p.Leu514Pro; replaces leucine 514 with proline.
Molecular consequence: missense variant.
Genome position (GRCh38, 1-based): chr19:13,317,126, A>G on the plus strand (T>C on the coding strand, the complement: CACNA1A is on the minus strand). VCF-style: chr19-13317126-A-G. GRCh37 (hg19) VCF-style: chr19-13427940-A-G.
Other names: c.1544T>C, p.Leu515Pro (NM_000068.4, NM_001127221.2, NM_001174080.2 and 1 more transcripts); short protein forms L514P, L515P.
Identifiers: ClinVar variation 3363253 (VCV003363253.2).

ClinVar aggregate classification (germline): Uncertain significance. Review status: criteria provided, multiple submitters, no conflicts (2 of 4 stars). 2 submissions from 2 submitters: Uncertain significance (2). Last evaluated 2024-02-01.

Submissions (2):

Blueprint Genetics
Classification: Uncertain significance. Last evaluated: 2024-02-01. Review status: criteria provided, single submitter. Criteria: ACMG Guidelines, 2015. Collection method: clinical testing. Allele origin: germline.

GeneDx
Classification: Uncertain significance. Last evaluated: 2023-10-30. Review status: criteria provided, single submitter. Criteria: GeneDx Variant Classification Process June 2021. Collection method: clinical testing. Allele origin: germline. Affected: yes.
Comment: Not observed at significant frequency in large population cohorts (gnomAD); In silico analysis supports that this missense variant has a deleterious effect on protein structure/function; Has not been previously published as pathogenic or benign to our knowledge